The following is an entry in ClinVar:

NM_005909.5(MAP1B):c.7246A>G (p.Met2416Val)

Gene: MAP1B (microtubule associated protein 1B; plus strand). Cytogenetic location: 5q13.2.
Variant type: single nucleotide variant.
Coding change: c.7246A>G on transcript NM_005909.5 (MANE Select); coding-DNA position 7246, A replaced by G.
Protein change: p.Met2416Val; replaces methionine 2416 with valine.
Molecular consequence: missense variant.
Genome position (GRCh38, 1-based): chr5:72,203,796, A>G. VCF-style: chr5-72203796-A-G. GRCh37 (hg19) VCF-style: chr5-71499623-A-G.
Other names: c.6868A>G, p.Met2290Val (NM_001324255.2); short protein forms M2290V, M2416V.
Identifiers: ClinVar variation 4980798 (VCV004980798.1).

ClinVar aggregate classification (germline): Uncertain significance (1 of 4 stars; one submission).

Conditions:
MAP1B-related disorder. Also called: MAP1B-related condition.

gnomAD v4.1: 5 of 1,612,162 alleles (0.00031%); highest among the groups gnomAD compares: Admixed American, 0.0017%; no homozygotes.

Submission:

PreventionGenetics, part of Exact Sciences
Classification: Uncertain significance for MAP1B-related condition. Last evaluated: 2025-11-22. Review status: criteria provided, single submitter. Criteria: ACMG Guidelines, 2015. Collection method: clinical testing. Allele origin: germline.
Comment: The MAP1B c.7246A>G variant is predicted to result in the amino acid substitution p.Met2416Val. To our knowledge, this variant has not been reported in the literature or in a large population database (gnomAD), indicating this variant is rare. At this time, the clinical significance of this variant is uncertain due to the absence of conclusive functional and genetic evidence.